The following is an entry in ClinVar:

ClinVar aggregate classification (germline): Uncertain significance. Review status: criteria provided, multiple submitters, no conflicts (2 of 4 stars). 4 submissions from 4 submitters: Uncertain significance (4). Last evaluated 2025-07-21.

Conditions:
Familial cancer of breast. Also called: BREAST CANCER, FAMILIAL; hereditary breast carcinoma; Hereditary breast cancer. Identifiers: Orphanet 227535, MedGen C0346153, MONDO:0016419, OMIM 114480. Disease mechanism: loss of function.
Hereditary cancer-predisposing syndrome. Also called: Neoplastic Syndromes, Hereditary; Tumor predisposition; Hereditary Cancer Syndrome; Hereditary neoplastic syndrome. Identifiers: Orphanet 140162, MedGen C0027672, MeSH D009386, MONDO:0015356.
CHEK2-related cancer predisposition (TPDS4). Also called: CHEK2-related cancer susceptibility; TUMOR PREDISPOSITION SYNDROME 4; CANCER PREDISPOSITION SYNDROME, CHEK2-RELATED. Identifiers: Orphanet 524, MedGen C5882668, MONDO:0700271, OMIM 609265.

Allele frequency attached by ClinVar (database versions not stated): gnomAD exomes below 0.00001; TOPMed below 0.00001; ExAC 0.00001.
gnomAD v4.1: 1 of 1,613,456 alleles (0.000062%); highest among the groups gnomAD compares: South Asian, 0.0011%; no homozygotes.

Submissions (4):

Labcorp Genetics (formerly Invitae), Labcorp
Classification: Uncertain significance for Familial cancer of breast. Last evaluated: 2025-07-21. Review status: criteria provided, single submitter. Criteria: Invitae Variant Classification Sherloc (09022015). Collection method: clinical testing. Allele origin: germline.
Comment: This sequence change replaces glutamine, which is neutral and polar, with glutamic acid, which is acidic and polar, at codon 439 of the CHEK2 protein (p.Gln439Glu). This variant is present in population databases (rs778989252, gnomAD 0.003%). This variant has not been reported in the literature in individuals affected with CHEK2-related conditions. ClinVar contains an entry for this variant (Variation ID: 460800). An algorithm developed to predict the effect of missense changes on protein structure and function (PolyPhen-2) suggests that this variant is likely to be disruptive. In summary, the available evidence is currently insufficient to determine the role of this variant in disease. Therefore, it has been classified as a Variant of Uncertain Significance.

Ambry Genetics
Classification: Uncertain significance for Hereditary cancer-predisposing syndrome. Last evaluated: 2025-02-28. Review status: criteria provided, single submitter. Criteria: Ambry Variant Classification Scheme 2023. Collection method: clinical testing. Allele origin: germline.
Comment: The p.Q439E variant (also known as c.1315C>G), located in coding exon 11 of the CHEK2 gene, results from a C to G substitution at nucleotide position 1315. The glutamine at codon 439 is replaced by glutamic acid, an amino acid with highly similar properties. This amino acid position is highly conserved in available vertebrate species. In addition, the in silico prediction for this alteration is inconclusive. Based on the available evidence, the clinical significance of this variant remains unclear.

KCCC/NGS Laboratory, Kuwait Cancer Control Center
Classification: Uncertain significance for CHEK2-related cancer predisposition. Last evaluated: 2024-04-03. Review status: criteria provided, single submitter. Criteria: ACMG Guidelines, 2015. Collection method: clinical testing. Allele origin: germline. Inheritance: Autosomal dominant inheritance. Affected: yes. Observed: 1 heterozygote.
Comment: This sequence change replaces glutamine, which is neutral and polar, with glutamic acid, which is acidic and polar, at codon 439 of the CHEK2 protein (p.Gln439Glu). This variant is present in population databases (rs778989252, gnomAD 0.003%). This variant has not been reported in the literature in individuals affected with CHEK2-related conditions. ClinVar contains an entry for this variant (Variation ID: 460800). Computational prediction suggests that this variant may not impact protein structure and function. Functional studies have not been reported for this variant. In summary, the available evidence is currently insufficient to determine the role of this variant in disease. Therefore, it has been classified as a Variant of Uncertain Significance.

Color Diagnostics, LLC DBA Color Health
Classification: Uncertain significance for Hereditary cancer-predisposing syndrome. Last evaluated: 2021-02-26. Review status: criteria provided, single submitter. Criteria: ACMG Guidelines, 2015. Collection method: clinical testing. Allele origin: germline.
Comment: This missense variant replaces glutamine with glutamic acid at codon 439 of the CHEK2 protein. Computational prediction suggests that this variant may not impact protein structure and function (internally defined REVEL score threshold <= 0.5, PMID: 27666373). To our knowledge, functional studies have not been reported for this variant. This variant has not been reported in individuals affected with hereditary cancer in the literature. This variant has been identified in 1/251024 chromosomes in the general population by the Genome Aggregation Database (gnomAD). The available evidence is insufficient to determine the role of this variant in disease conclusively. Therefore, this variant is classified as a Variant of Uncertain Significance.

NM_007194.4(CHEK2):c.1315C>G (p.Gln439Glu)

Gene: CHEK2 (checkpoint kinase 2; minus strand). Cytogenetic location: 22q12.1.
Variant type: single nucleotide variant.
Coding change: c.1315C>G on transcript NM_007194.4 (MANE Select); coding-DNA position 1315, C replaced by G.
Protein change: p.Gln439Glu; replaces glutamine 439 with glutamic acid.
Molecular consequence: missense variant.
Genome position (GRCh38, 1-based): chr22:28,695,187, G>C on the plus strand (C>G on the coding strand, the complement: CHEK2 is on the minus strand). VCF-style: chr22-28695187-G-C. GRCh37 (hg19) VCF-style: chr22-29091175-G-C.
Other names: c.1444C>G, p.Gln482Glu (NM_001005735.3); c.652C>G, p.Gln218Glu (NM_001257387.3); c.1114C>G, p.Gln372Glu (NM_001349956.3); c.1228C>G, p.Gln410Glu (NM_145862.3); short protein forms Q439E, Q410E, Q482E, Q218E, Q372E.
Identifiers: ClinVar variation 460800 (VCV000460800.15), dbSNP rs778989252, ClinGen allele CA10167680.